The following is an entry in ClinVar:

NM_001375808.2(LPIN2):c.577G>A (p.Ala193Thr)

Gene: LPIN2 (lipin 2; minus strand). Cytogenetic location: 18p11.31.
Variant type: single nucleotide variant.
Coding change: c.577G>A on transcript NM_001375808.2 (MANE Select); coding-DNA position 577, G replaced by A.
Protein change: p.Ala193Thr; replaces alanine 193 with threonine.
Molecular consequence: missense variant.
Genome position (GRCh38, 1-based): chr18:2,951,068, C>T on the plus strand (G>A on the coding strand, the complement: LPIN2 is on the minus strand). VCF-style: chr18-2951068-C-T. GRCh37 (hg19) VCF-style: chr18-2951066-C-T.
Other names: c.577G>A, p.Ala193Thr (NM_001375809.1, NM_014646.2); short protein forms A193T.
Identifiers: ClinVar variation 1379837 (VCV001379837.8), dbSNP rs539324906, ClinGen allele CA8873523.

ClinVar aggregate classification (germline): Uncertain significance (1 of 4 stars; one submission).

Conditions:
Majeed syndrome (MJDS). Also called: CHRONIC RECURRENT MULTIFOCAL OSTEOMYELITIS 1, WITH CONGENITAL DYSERYTHROPOIETIC ANEMIA, WITH OR WITHOUT NEUTROPHILIC DERMATOSIS; LPIN2-Related Majeed Syndrome. Identifiers: Orphanet 77297, MedGen C1864997, MONDO:0012316, OMIM 609628.

Allele frequency attached by ClinVar (database versions not stated): ExAC 0.00001; gnomAD 0.00001; TOPMed 0.00001.
gnomAD v4.1: 7 of 1,614,018 alleles (0.00043%); highest among the groups gnomAD compares: Admixed American, 0.0033%; no homozygotes.

Submission:

Labcorp Genetics (formerly Invitae), Labcorp
Classification: Uncertain significance for Majeed syndrome. Last evaluated: 2022-08-19. Review status: criteria provided, single submitter. Criteria: Invitae Variant Classification Sherloc (09022015). Collection method: clinical testing. Allele origin: germline.
Comment: ClinVar contains an entry for this variant (Variation ID: 1379837). In summary, the available evidence is currently insufficient to determine the role of this variant in disease. Therefore, it has been classified as a Variant of Uncertain Significance. Algorithms developed to predict the effect of missense changes on protein structure and function output the following: SIFT: "Tolerated"; PolyPhen-2: "Benign"; Align-GVGD: "Class C0". The threonine amino acid residue is found in multiple mammalian species, which suggests that this missense change does not adversely affect protein function. This variant has not been reported in the literature in individuals affected with LPIN2-related conditions. This variant is present in population databases (rs539324906, gnomAD 0.006%). This sequence change replaces alanine, which is neutral and non-polar, with threonine, which is neutral and polar, at codon 193 of the LPIN2 protein (p.Ala193Thr).